The following is an entry in ClinVar:

NM_020975.6(RET):c.1927C>T (p.Leu643Phe)

Gene: RET (ret proto-oncogene; plus strand). Cytogenetic location: 10q11.21.
Variant type: single nucleotide variant.
Coding change: c.1927C>T on transcript NM_020975.6 (MANE Select); coding-DNA position 1927, C replaced by T.
Protein change: p.Leu643Phe; replaces leucine 643 with phenylalanine.
Molecular consequence: missense variant. On other transcripts: intron variant (4).
Genome position (GRCh38, 1-based): chr10:43,114,527, C>T. VCF-style: chr10-43114527-C-T. GRCh37 (hg19) VCF-style: chr10-43609975-C-T.
Other names: c.1165C>T, p.Leu389Phe (NM_001355216.2); c.1927C>T, p.Leu643Phe (NM_001406743.1, NM_001406744.1, NM_001406759.1 and 2 more transcripts); c.1798C>T, p.Leu600Phe (NM_001406761.1, NM_001406762.1, NM_001406764.1); c.1639C>T, p.Leu547Phe (NM_001406766.1, NM_001406767.1, NM_001406770.1); c.1531C>T, p.Leu511Phe (NM_001406769.1, NM_001406772.1); c.1489C>T, p.Leu497Phe (NM_001406771.1, NM_001406773.1); c.1402C>T, p.Leu468Phe (NM_001406774.1); c.1201C>T, p.Leu401Phe (NM_001406775.1, NM_001406776.1, NM_001406777.1 and 1 more transcripts); and 10 more; short protein forms L160F, L208F, L248F, L301F, L304F, L313F, L344F, L389F.
Identifiers: ClinVar variation 3387598 (VCV003387598.2).

ClinVar aggregate classification (germline): Uncertain significance. Review status: criteria provided, multiple submitters, no conflicts (2 of 4 stars). 2 submissions from 2 submitters: Uncertain significance (2). Last evaluated 2024-11-22.

Conditions:
Hereditary cancer-predisposing syndrome. Also called: Neoplastic Syndromes, Hereditary; Hereditary Cancer Syndrome; Tumor predisposition; Hereditary neoplastic syndrome. Identifiers: Orphanet 140162, MedGen C0027672, MeSH D009386, MONDO:0015356.
Multiple endocrine neoplasia, type 2 (MEN2). Identifiers: Orphanet 653, MedGen C4048306, MONDO:0019003. Disease mechanism: gain of function.

Submissions (2):

Ambry Genetics
Classification: Uncertain significance for Hereditary cancer-predisposing syndrome. Last evaluated: 2024-11-22. Review status: criteria provided, single submitter. Criteria: Ambry Variant Classification Scheme 2023. Collection method: clinical testing. Allele origin: germline.
Comment: The p.L643F variant (also known as c.1927C>T), located in coding exon 11 of the RET gene, results from a C to T substitution at nucleotide position 1927. The leucine at codon 643 is replaced by phenylalanine, an amino acid with highly similar properties. This amino acid position is conserved. In addition, the in silico prediction for this alteration is inconclusive. Based on the available evidence, the clinical significance of this variant remains unclear.

All of Us Research Program, National Institutes of Health
Classification: Uncertain significance for Multiple endocrine neoplasia, type 2. Last evaluated: 2024-08-19. Review status: criteria provided, single submitter. Criteria: ACMG Guidelines, 2015. Collection method: clinical testing. Allele origin: germline. Inheritance: Autosomal dominant inheritance. Observed: 1 variant allele, 1 heterozygote.
Comment: This study involves interpretation of variants in research participants for the purpose of population health screening. Participant phenotype was not available at the time of variant classification. Additional details can be found in publication PMID: 35346344, PMCID: PMC8962531